The following is an entry in ClinVar:

ClinVar aggregate classification (germline): Uncertain significance (1 of 4 stars; one submission).

Conditions:
Myopathy, proximal, and ophthalmoplegia (CMYO6). Also called: CONGENITAL MYOPATHY 6 WITH OPHTHALMOPLEGIA; MYOPATHY WITH CONGENITAL JOINT CONTRACTURES, OPHTHALMOPLEGIA, AND RIMMED VACUOLES; INCLUSION BODY MYOPATHY 3, AUTOSOMAL DOMINANT. Identifiers: Orphanet 363677, Orphanet 79091, MedGen C1854106, MONDO:0011577, OMIM 605637.

Submission:

Labcorp Genetics (formerly Invitae), Labcorp
Classification: Uncertain significance for Inclusion body myopathy 3. Last evaluated: 2019-04-10. Review status: criteria provided, single submitter. Criteria: Invitae Variant Classification Sherloc (09022015). Collection method: clinical testing. Allele origin: germline.
Comment: This sequence change replaces asparagine with serine at codon 983 of the MYH2 protein (p.Asn983Ser). The asparagine residue is highly conserved and there is a small physicochemical difference between asparagine and serine. This variant is not present in population databases (ExAC no frequency). This variant has not been reported in the literature in individuals with MYH2-related conditions. Algorithms developed to predict the effect of missense changes on protein structure and function (SIFT, PolyPhen-2, Align-GVGD) all suggest that this variant is likely to be disruptive, but these predictions have not been confirmed by published functional studies and their clinical significance is uncertain. In summary, the available evidence is currently insufficient to determine the role of this variant in disease. Therefore, it has been classified as a Variant of Uncertain Significance.

NM_017534.6(MYH2):c.2948A>G (p.Asn983Ser)

Genes: MYHAS (myosin heavy chain gene cluster antisense RNA; plus strand), MYH2 (myosin heavy chain 2; minus strand). Cytogenetic location: 17p13.1.
Variant type: single nucleotide variant.
Coding change: c.2948A>G on transcript NM_017534.6 (MANE Select); coding-DNA position 2948, A replaced by G.
Protein change: p.Asn983Ser; replaces asparagine 983 with serine.
Molecular consequence: missense variant.
Genome position (GRCh38, 1-based): chr17:10,529,733, T>C on the plus strand (A>G on the coding strand, the complement: MYH2 is on the minus strand). VCF-style: chr17-10529733-T-C. GRCh37 (hg19) VCF-style: chr17-10433050-T-C.
Other names: c.2948A>G, p.Asn983Ser (NM_001100112.2); short protein forms N983S.
Identifiers: ClinVar variation 858654 (VCV000858654.1), dbSNP rs2073401948, ClinGen allele CA398140886.